The following is an entry in ClinVar:

NM_003074.4(SMARCC1):c.488A>G (p.Asn163Ser)

Gene: SMARCC1 (SWI/SNF related BAF chromatin remodeling complex subunit C1; minus strand). Cytogenetic location: 3p21.31.
Variant type: single nucleotide variant.
Coding change: c.488A>G on transcript NM_003074.4 (MANE Select); coding-DNA position 488, A replaced by G.
Protein change: p.Asn163Ser; replaces asparagine 163 with serine.
Molecular consequence: missense variant.
Genome position (GRCh38, 1-based): chr3:47,736,122, T>C on the plus strand (A>G on the coding strand, the complement: SMARCC1 is on the minus strand). VCF-style: chr3-47736122-T-C. GRCh37 (hg19) VCF-style: chr3-47777612-T-C.
Other names: NC_000003.11:g.47777612T>C; short protein forms N163S.
Identifiers: ClinVar variation 3056323 (VCV003056323.3), dbSNP rs116500579, ClinGen allele CA2369409.

ClinVar aggregate classification (germline): Benign (0 of 4 stars; one submission).

Conditions:
SMARCC1-related disorder. Also called: SMARCC1-related condition.

Allele frequency attached by ClinVar (database versions not stated): ExAC 0.00100; gnomAD 0.00338; ESP Exome Variant Server 0.00377; TOPMed 0.00377; 1000 Genomes Project 0.00479; gnomAD exomes 0.00027; 1000 Genomes Project 30x 0.00531.

Submissions (6):

PreventionGenetics, part of Exact Sciences
Classification: Benign for SMARCC1-related condition. Last evaluated: 2019-05-01. Review status: no assertion criteria provided. Collection method: clinical testing. Allele origin: germline.
Comment: This variant is classified as benign based on ACMG/AMP sequence variant interpretation guidelines (Richards et al. 2015 PMID: 25741868, with internal and published modifications).

Dr. Peter K. Rogan Lab, Western University
No classification provided (evidence only). Condition: Clear cell carcinoma of kidney. Review status: no classification provided. Collection method: in vitro. Allele origin: not applicable. Functional consequence: retained intron. Not counted in ClinVar's aggregate classification.

Dr. Peter K. Rogan Lab, Western University
No classification provided (evidence only). Condition: Familial cancer of breast. Review status: no classification provided. Collection method: in vitro. Allele origin: not applicable. Functional consequence: retained intron. Not counted in ClinVar's aggregate classification.

Dr. Peter K. Rogan Lab, Western University
No classification provided (evidence only). Condition: Familial cancer of breast. Review status: no classification provided. Collection method: in vitro. Allele origin: not applicable. Functional consequence: retained intron. Not counted in ClinVar's aggregate classification.

Dr. Peter K. Rogan Lab, Western University
No classification provided (evidence only). Condition: Colon adenocarcinoma. Review status: no classification provided. Collection method: in vitro. Allele origin: not applicable. Functional consequence: retained intron. Not counted in ClinVar's aggregate classification.

Dr. Peter K. Rogan Lab, Western University
No classification provided (evidence only). Condition: Cervical cancer. Review status: no classification provided. Collection method: in vitro. Allele origin: not applicable. Functional consequence: retained intron. Not counted in ClinVar's aggregate classification.